The following is an entry in ClinVar:

ClinVar aggregate classification (germline): Pathogenic (1 of 4 stars; one submission).

Conditions:
3-methylcrotonyl-CoA carboxylase 2 deficiency. Also called: 3 alpha methylcrotonyl-CoA carboxylase 2 deficiency; 3 alpha methylcrotonylglycinuria 2; MCC 2 deficiency; Methylcrotonylglycinuria type 2; METHYLCROTONYLGLYCINURIA, TYPE II. Identifiers: Orphanet 6, MedGen C1859499, MONDO:0008862, OMIM 210210.

Submission:

Labcorp Genetics (formerly Invitae), Labcorp
Classification: Pathogenic for 3-methylcrotonyl-CoA carboxylase 2 deficiency. Last evaluated: 2023-12-04. Review status: criteria provided, single submitter. Criteria: Invitae Variant Classification Sherloc (09022015). Collection method: clinical testing. Allele origin: germline.
Comment: This sequence change creates a premature translational stop signal (p.Tyr177Thrfs*96) in the MCCC2 gene. It is expected to result in an absent or disrupted protein product. Loss-of-function variants in MCCC2 are known to be pathogenic (PMID: 11181649, 22642865). This variant is not present in population databases (gnomAD no frequency). This variant has not been reported in the literature in individuals affected with MCCC2-related conditions. For these reasons, this variant has been classified as Pathogenic.

Literature cited by the submitters: PubMed 11181649; PubMed 22642865.

NM_022132.5(MCCC2):c.529del (p.Tyr177fs)

Gene: MCCC2 (methylcrotonyl-CoA carboxylase subunit 2; plus strand). Cytogenetic location: 5q13.2.
Variant type: Deletion.
Coding change: c.529del on transcript NM_022132.5 (MANE Select); coding-DNA position 529, one base deleted (T; older notation c.529delT).
Protein change: p.Tyr177fs; shifts the reading frame from tyrosine 177.
Molecular consequence: frameshift variant.
Genome position (GRCh38, 1-based): chr5:71,604,373, T deleted. VCF-style (leftmost placement, unchanged base first): chr5-71604372-AT-A. GRCh37 (hg19) VCF-style: chr5-70900199-AT-A.
Other names: c.529del, p.Tyr177fs (NM_001363147.1); short protein forms Y177fs.
Identifiers: ClinVar variation 2700813 (VCV002700813.3), dbSNP rs2530740239, ClinGen allele CA2697547203.